The following is an entry in ClinVar:

ClinVar aggregate classification (germline): Uncertain significance (1 of 4 stars; one submission).

Conditions:
Hereditary cancer-predisposing syndrome. Also called: Hereditary neoplastic syndrome; Neoplastic Syndromes, Hereditary; Tumor predisposition; Hereditary Cancer Syndrome. Identifiers: Orphanet 140162, MedGen C0027672, MeSH D009386, MONDO:0015356.

Submission:

Ambry Genetics
Classification: Uncertain significance for Hereditary cancer-predisposing syndrome. Last evaluated: 2025-08-27. Review status: criteria provided, single submitter. Criteria: Ambry Variant Classification Scheme 2023. Collection method: clinical testing. Allele origin: germline.
Comment: The p.D89V variant (also known as c.266A>T), located in coding exon 3 of the MUTYH gene, results from an A to T substitution at nucleotide position 266. The aspartic acid at codon 89 is replaced by valine, an amino acid with highly dissimilar properties. This amino acid position is conserved. In addition, this alteration is predicted to be deleterious by in silico analysis. Based on the available evidence, the clinical significance of this variant remains unclear.

NM_001048174.2(MUTYH):c.182A>T (p.Asp61Val)

Gene: MUTYH (mutY DNA glycosylase; minus strand). Cytogenetic location: 1p34.1.
Variant type: single nucleotide variant.
Coding change: c.182A>T on transcript NM_001048174.2 (MANE Select); coding-DNA position 182, A replaced by T.
Protein change: p.Asp61Val; replaces aspartic acid 61 with valine.
Molecular consequence: missense variant. On other transcripts: 5 prime UTR variant (6), non-coding transcript variant (7).
Genome position (GRCh38, 1-based): chr1:45,333,495, T>A on the plus strand (A>T on the coding strand, the complement: MUTYH is on the minus strand). VCF-style: chr1-45333495-T-A. GRCh37 (hg19) VCF-style: chr1-45799167-T-A.
Other names: c.182A>T, p.Asp61Val (NM_001048171.2, NM_001407070.1, NM_001407072.1 and 6 more transcripts); c.-90A>T (NM_001350651.2, NM_001350650.2, NM_001407082.1); c.257A>T, p.Asp86Val (NM_001407069.1, NM_012222.3); c.185A>T, p.Asp62Val (NM_001407071.1, NM_001407078.1, NM_001048172.2 and 2 more transcripts); c.224A>T, p.Asp75Val (NM_001407073.1, NM_001407083.1, NM_001407085.1); c.98A>T, p.Asp33Val (NM_001407075.1); c.215A>T, p.Asp72Val (NM_001407077.1, NM_001293191.2); c.266A>T, p.Asp89Val (NM_001128425.2); and 3 more; short protein forms D62V, D68V, D72V, D61V, D76V, D89V, D33V, D75V.
Identifiers: ClinVar variation 4113558 (VCV004113558.1).
Genomic context (GRCh38, chr1:45,333,495, plus strand): 5'-CGTTTCTCTTGGTCGTACCAGCTTAGCAGGCTCCCTCGGAAGGCTGTGACTTCAGCTACG[T>A]CTCTGAATAGATGGTATGAGGAGACAGAGGCCTGCAATACCACCTCTTCCGGCTGCCTGG-3'
Protein context (NP_001041639.1, residues 51-71): ASVSSYHLFR[Asp61Val]VAEVTAFRGS